The following is an entry in ClinVar:

ClinVar aggregate classification (germline): Uncertain significance (1 of 4 stars; one submission).

Conditions:
Inborn genetic diseases. Identifiers: MedGen C0950123, MeSH D030342.

Submission:

Ambry Genetics
Classification: Uncertain significance for Inborn genetic diseases. Last evaluated: 2026-02-13. Review status: criteria provided, single submitter. Criteria: Ambry Variant Classification Scheme 2023. Collection method: clinical testing. Allele origin: germline.
Comment: The c.886G>A (p.D296N) alteration is located in exon 7 (coding exon 5) of the CDH11 gene. This alteration results from a G to A substitution at nucleotide position 886, causing the aspartic acid (D) at amino acid position 296 to be replaced by an asparagine (N). This variant was not reported in population-based cohorts in the Genome Aggregation Database (gnomAD). This amino acid position is highly conserved in available vertebrate species. The in silico prediction for this alteration is inconclusive. Based on insufficient or conflicting evidence, the clinical significance of this alteration remains unclear.

NM_001797.4(CDH11):c.886G>A (p.Asp296Asn)

Gene: CDH11 (cadherin 11; minus strand). Cytogenetic location: 16q21.
Variant type: single nucleotide variant.
Coding change: c.886G>A on transcript NM_001797.4 (MANE Select); coding-DNA position 886, G replaced by A.
Protein change: p.Asp296Asn; replaces aspartic acid 296 with asparagine.
Molecular consequence: missense variant.
Genome position (GRCh38, 1-based): chr16:64,988,270, C>T on the plus strand (G>A on the coding strand, the complement: CDH11 is on the minus strand). VCF-style: chr16-64988270-C-T. GRCh37 (hg19) VCF-style: chr16-65022173-C-T.
Other names: c.886G>A, p.Asp296Asn (NM_001308392.2); c.508G>A, p.Asp170Asn (NM_001330576.2); short protein forms D296N, D170N.
Identifiers: ClinVar variation 4829247 (VCV004829247.1).
Genomic context (GRCh38, chr16:64,988,270, plus strand): 5'-ACGATTCCATACCATCTCCATCAACAATATTGTATGTGACTAAGCCATTTTCTCCAATGT[C>T]TGGATCTTTAGCTTTCACTCTTCCTACTTCCTCCCCAGGGACGGCTGCTTCTGACACAGA-3'
Protein context (NP_001788.2, residues 286-306): EVGRVKAKDP[Asp296Asn]IGENGLVTYN